The following is an entry in ClinVar:

NM_145020.5(CFAP53):c.235G>C (p.Val79Leu)

Gene: CFAP53 (cilia and flagella associated protein 53; minus strand). Cytogenetic location: 18q21.1.
Variant type: single nucleotide variant.
Coding change: c.235G>C on transcript NM_145020.5 (MANE Select); coding-DNA position 235, G replaced by C.
Protein change: p.Val79Leu; replaces valine 79 with leucine.
Molecular consequence: missense variant.
Genome position (GRCh38, 1-based): chr18:50,262,054, C>G on the plus strand (G>C on the coding strand, the complement: CFAP53 is on the minus strand). VCF-style: chr18-50262054-C-G. GRCh37 (hg19) VCF-style: chr18-47788424-C-G.
Other names: c.235G>C (NM_145020.3); short protein forms V79L.
Identifiers: ClinVar variation 2100864 (VCV002100864.4), dbSNP rs200378044, ClinGen allele CA8962478.
Genomic context (GRCh38, chr18:50,262,054, plus strand): 5'-TTCGTCTTTCTTCAATGTTAATGATAAACCCTTGCACAGCATCCTTGATTCTTGCTCGCA[C>G]AAGGCTGTCCAAAATCTTGCAGTCATTGTGCTGGTCCCACTCAGCTTTCAAGCGATCCCG-3'
Protein context (NP_659457.2, residues 69-89): HNDCKILDSL[Val79Leu]RARIKDAVQG

ClinVar aggregate classification (germline): Uncertain significance. Review status: criteria provided, multiple submitters, no conflicts (2 of 4 stars). 2 submissions from 2 submitters: Uncertain significance (2). Last evaluated 2024-10-19.

Conditions:
Heterotaxy, visceral, 6, autosomal (HTX6). Also called: Heterotaxy, visceral, 6, autosomal recessive. Identifiers: Orphanet 450, MedGen C3553676, MONDO:0013887, OMIM 614779.
Inborn genetic diseases. Identifiers: MedGen C0950123, MeSH D030342.

Allele frequency attached by ClinVar (database versions not stated): ExAC 0.00013; gnomAD 0.00053; 1000 Genomes Project 0.00060; 1000 Genomes Project 30x 0.00062; ESP Exome Variant Server 0.00082.
gnomAD v4.1: 143 of 1,614,180 alleles (0.0089%); highest among the groups gnomAD compares: African/African-American, 0.17%; no homozygotes.

Submissions (2):

Ambry Genetics
Classification: Uncertain significance for Inborn genetic diseases. Last evaluated: 2024-10-19. Review status: criteria provided, single submitter. Criteria: Ambry Variant Classification Scheme 2023. Collection method: clinical testing. Allele origin: germline.

Labcorp Genetics (formerly Invitae), Labcorp
Classification: Uncertain significance for Heterotaxy, visceral, 6, autosomal. Last evaluated: 2024-04-30. Review status: criteria provided, single submitter. Criteria: Invitae Variant Classification Sherloc (09022015). Collection method: clinical testing. Allele origin: germline.
Comment: This sequence change replaces valine, which is neutral and non-polar, with leucine, which is neutral and non-polar, at codon 79 of the CFAP53 protein (p.Val79Leu). This variant is present in population databases (rs200378044, gnomAD 0.2%). This variant has not been reported in the literature in individuals affected with CFAP53-related conditions. ClinVar contains an entry for this variant (Variation ID: 2100864). Advanced modeling of protein sequence and biophysical properties (such as structural, functional, and spatial information, amino acid conservation, physicochemical variation, residue mobility, and thermodynamic stability) performed at Invitae indicates that this missense variant is not expected to disrupt CFAP53 protein function with a negative predictive value of 80%. In summary, the available evidence is currently insufficient to determine the role of this variant in disease. Therefore, it has been classified as a Variant of Uncertain Significance.